The following is an entry in ClinVar:

ClinVar aggregate classification (germline): Uncertain significance (1 of 4 stars; one submission).

Conditions:
Hereditary diffuse gastric adenocarcinoma (HDGC). Also called: DIFFUSE GASTRIC AND LOBULAR BREAST CANCER SYNDROME. Identifiers: Orphanet 26106, MedGen C1708349, MONDO:0007648, OMIM 137215.

Allele frequency attached by ClinVar (database versions not stated): gnomAD exomes below 0.00001.
gnomAD v4.1: 1 of 1,613,048 alleles (0.000062%); highest among the groups gnomAD compares: South Asian, 0.0011%; no homozygotes.

Submission:

Labcorp Genetics (formerly Invitae), Labcorp
Classification: Uncertain significance for Hereditary diffuse gastric adenocarcinoma. Last evaluated: 2023-06-02. Review status: criteria provided, single submitter. Criteria: Invitae Variant Classification Sherloc (09022015). Collection method: clinical testing. Allele origin: germline.
Comment: Experimental studies and prediction algorithms are not available or were not evaluated, and the functional significance of this variant is currently unknown. In summary, the available evidence is currently insufficient to determine the role of this variant in disease. Therefore, it has been classified as a Variant of Uncertain Significance. This variant has not been reported in the literature in individuals affected with CDH1-related conditions. This variant is present in population databases (no rsID available, gnomAD 0.003%). This sequence change disrupts the translational stop signal of the CDH1 mRNA. It is expected to extend the length of the CDH1 protein by 29 additional amino acid residues.

NM_004360.5(CDH1):c.2648A>G (p.Ter883Trp)

Gene: CDH1 (cadherin 1; plus strand). Cytogenetic location: 16q22.1.
Variant type: single nucleotide variant.
Coding change: c.2648A>G on transcript NM_004360.5 (MANE Select); coding-DNA position 2648, A replaced by G.
Protein change: p.Ter883Trp.
Molecular consequence: stop lost.
Genome position (GRCh38, 1-based): chr16:68,833,498, A>G. VCF-style: chr16-68833498-A-G. GRCh37 (hg19) VCF-style: chr16-68867401-A-G.
Other names: c.2465A>G, p.Ter822Trp (NM_001317184.2); c.1100A>G, p.Ter367Trp (NM_001317185.2); c.683A>G, p.Ter228Trp (NM_001317186.2).
Identifiers: ClinVar variation 2955358 (VCV002955358.3), dbSNP rs1057523505, ClinGen allele CA396472965.